The following is an entry in ClinVar:

ClinVar aggregate classification (germline): Uncertain significance (1 of 4 stars; one submission).

Conditions:
Cardiovascular phenotype. Identifiers: MedGen CN230736.

Submission:

Ambry Genetics
Classification: Uncertain significance for Cardiovascular phenotype. Last evaluated: 2026-02-22. Review status: criteria provided, single submitter. Criteria: Ambry Variant Classification Scheme 2023. Collection method: clinical testing. Allele origin: germline.
Comment: The p.P166L variant (also known as c.497C>T), located in coding exon 4 of the VCL gene, results from a C to T substitution at nucleotide position 497. The proline at codon 166 is replaced by leucine, an amino acid with similar properties. This amino acid position is conserved. In addition, the in silico prediction for this alteration is inconclusive. Based on the available evidence, the clinical significance of this variant remains unclear.

NM_014000.3(VCL):c.497C>T (p.Pro166Leu)

Gene: VCL (vinculin; plus strand). Cytogenetic location: 10q22.2.
Variant type: single nucleotide variant.
Coding change: c.497C>T on transcript NM_014000.3 (MANE Select); coding-DNA position 497, C replaced by T.
Protein change: p.Pro166Leu; replaces proline 166 with leucine.
Molecular consequence: missense variant.
Genome position (GRCh38, 1-based): chr10:74,071,081, C>T. VCF-style: chr10-74071081-C-T. GRCh37 (hg19) VCF-style: chr10-75830839-C-T.
Other names: c.497C>T, p.Pro166Leu (NM_003373.4); short protein forms P166L.
Identifiers: ClinVar variation 4824344 (VCV004824344.1).